The following is an entry in ClinVar:

ClinVar aggregate classification (germline): Likely benign. Review status: criteria provided, multiple submitters, no conflicts (2 of 4 stars). 2 submissions from 2 submitters: Likely benign (2). Last evaluated 2025-10-01.

Conditions:
Hypertrophic cardiomyopathy. Also called: HYPERTROPHIC MYOCARDIOPATHY. Identifiers: Orphanet 217569, MedGen C0007194, MeSH D002312, MONDO:0005045, HP:0001639.

gnomAD v4.1: 1 of 1,614,166 alleles (0.000062%); no homozygotes.

Submissions (2):

Labcorp Genetics (formerly Invitae), Labcorp
Classification: Likely benign for Hypertrophic cardiomyopathy. Last evaluated: 2025-10-01. Review status: criteria provided, single submitter. Criteria: Invitae Variant Classification Sherloc (09022015). Collection method: clinical testing. Allele origin: germline.

GeneDx
Classification: Likely benign. Last evaluated: 2017-02-15. Review status: criteria provided, single submitter. Criteria: GeneDx Variant Classification (06012015). Collection method: clinical testing. Allele origin: germline. Affected: yes.
Comment: This variant is considered likely benign or benign based on one or more of the following criteria: it is a conservative change, it occurs at a poorly conserved position in the protein, it is predicted to be benign by multiple in silico algorithms, and/or has population frequency not consistent with disease.

NM_000257.4(MYH7):c.411G>A (p.Glu137=)

Gene: MYH7 (myosin heavy chain 7; minus strand). Cytogenetic location: 14q11.2.
Variant type: single nucleotide variant.
Coding change: c.411G>A on transcript NM_000257.4 (MANE Select); coding-DNA position 411, G replaced by A.
Protein change: p.Glu137=; no amino-acid change (glutamic acid 137 retained).
Molecular consequence: synonymous variant.
Genome position (GRCh38, 1-based): chr14:23,432,730, C>T on the plus strand (G>A on the coding strand, the complement: MYH7 is on the minus strand). VCF-style: chr14-23432730-C-T. GRCh37 (hg19) VCF-style: chr14-23901939-C-T.
Other names: c.411G>A (LRG_384t1).
Identifiers: ClinVar variation 506712 (VCV000506712.8), dbSNP rs61977674, ClinGen allele CA257826597.
Genomic context (GRCh38, chr14:23,432,730, plus strand): 5'-GATGGAGAAGATGTGGGGCGGGGCCTCGCTCCTCTTCTTGCCCCGGTAGGCAGCCACCAC[C>T]TCAGGAGTGTACACCGGCAGCCACTTGTAAGGGTTGACGGTGACACAGAAGAGGCCCGAG-3'
Protein context (NP_000248.2, residues 127-147): PYKWLPVYTP[Glu137=]VVAAYRGKKR